The following is an entry in ClinVar:

NM_007294.4(BRCA1):c.913T>C (p.Cys305Arg)

Gene: BRCA1 (BRCA1 DNA repair associated; minus strand). Cytogenetic location: 17q21.31.
Variant type: single nucleotide variant.
Coding change: c.913T>C on transcript NM_007294.4 (MANE Select); coding-DNA position 913, T replaced by C.
Protein change: p.Cys305Arg; replaces cysteine 305 with arginine.
Molecular consequence: missense variant. On other transcripts: intron variant (137).
Genome position (GRCh38, 1-based): chr17:43,094,618, A>G on the plus strand (T>C on the coding strand, the complement: BRCA1 is on the minus strand). VCF-style: chr17-43094618-A-G. GRCh37 (hg19) VCF-style: chr17-41246635-A-G.
Other names: c.700T>C, p.Cys234Arg (NM_001407571.1, NM_001407853.1, NM_001407894.1 and 9 more transcripts); c.913T>C, p.Cys305Arg (NM_001407581.1, NM_001407582.1, NM_001407583.1 and 30 more transcripts); c.910T>C, p.Cys304Arg (NM_001407587.1, NM_001407590.1, NM_001407591.1 and 22 more transcripts); c.904T>C, p.Cys302Arg (NM_001407646.1, NM_001407647.1); c.832T>C, p.Cys278Arg (NM_001407660.1, NM_001407661.1, NM_001407662.1 and 1 more transcripts); c.835T>C, p.Cys279Arg (NM_001407663.1, NM_001407653.1, NM_001407654.1 and 4 more transcripts); c.790T>C, p.Cys264Arg (NM_001407664.1, NM_001407665.1, NM_001407666.1 and 19 more transcripts); c.787T>C, p.Cys263Arg (NM_001407685.1, NM_001407686.1, NM_001407687.1 and 11 more transcripts); and 40 more; short protein forms C258R, C305R, C137R, C177R, C194R, C216R, C217R, C237R.
Identifiers: ClinVar variation 928767 (VCV000928767.20), dbSNP rs1597879229, ClinGen allele CA10600245.

ClinVar aggregate classification (germline): Conflicting classifications of pathogenicity. Review status: criteria provided, conflicting classifications (1 of 4 stars). 7 submissions from 7 submitters: Uncertain significance (5); Likely benign (2). Last evaluated 2026-01-27.

Conditions:
Hereditary cancer-predisposing syndrome. Also called: Hereditary neoplastic syndrome; Tumor predisposition; Neoplastic Syndromes, Hereditary; Hereditary Cancer Syndrome. Identifiers: Orphanet 140162, MedGen C0027672, MeSH D009386, MONDO:0015356.
Hereditary breast ovarian cancer syndrome. Also called: Hereditary breast and ovarian cancer syndrome (HBOC); Hereditary breast and/or ovarian cancer syndrome; Hereditary breast and ovarian cancer; BRCA1- and BRCA2-Associated Hereditary Breast and Ovarian Cancer; Hereditary breast and ovarian cancer syndrome; Breast and ovarian cancer. Identifiers: Orphanet 145, MedGen C0677776, MeSH D061325, MONDO:0003582. Disease mechanism: loss of function.
Breast-ovarian cancer, familial, susceptibility to, 1 (BROVCA1). Also called: BRCA1 Hereditary Breast and Ovarian Cancer; OVARIAN CANCER, SUSCEPTIBILITY TO. Identifiers: Orphanet 145, MedGen C2676676, MONDO:0011450, OMIM 604370. Disease mechanism: loss of function.

Allele frequency attached by ClinVar (database versions not stated): gnomAD exomes below 0.00001; TOPMed below 0.00001.
gnomAD v4.1: 1 of 1,614,192 alleles (0.000062%); highest among the groups gnomAD compares: African/African-American, 0.0013%; no homozygotes.

Submissions (7):

Myriad Genetics, Inc.
Classification: Likely benign for Breast-ovarian cancer, familial, susceptibility to, 1. Last evaluated: 2026-01-27. Review status: criteria provided, single submitter. Criteria: Myriad Autosomal Dominant, Autosomal Recessive and X-Linked Classification Criteria (2023). Collection method: clinical testing. Allele origin: unknown.
Comment: This variant is considered likely benign. This variant is strongly associated with less severe personal and family histories of cancer, typical for individuals without pathogenic variants in this gene [PMID: 25085752].

Quest Diagnostics Nichols Institute San Juan Capistrano
Classification: Uncertain significance. Last evaluated: 2024-10-31. Review status: criteria provided, single submitter. Criteria: Quest Diagnostics criteria. Collection method: clinical testing. Allele origin: unknown.
Comment: The BRCA1 c.913T>C (p.Cys305Arg) variant has not been reported in individuals with BRCA1-related conditions in the published literature. It also has not been reported in large, multi-ethnic general populations (Genome Aggregation Database). Analysis of this variant using bioinformatics tools for the prediction of the effect of amino acid changes on protein structure and function yielded conflicting predictions that this variant is benign or damaging. Based on the available information, we are unable to determine the clinical significance of this variant.

Labcorp Genetics (formerly Invitae), Labcorp
Classification: Uncertain significance for Hereditary breast ovarian cancer syndrome. Last evaluated: 2024-08-31. Review status: criteria provided, single submitter. Criteria: Invitae Variant Classification Sherloc (09022015). Collection method: clinical testing. Allele origin: germline.
Comment: This sequence change replaces cysteine, which is neutral and slightly polar, with arginine, which is basic and polar, at codon 305 of the BRCA1 protein (p.Cys305Arg). This variant is not present in population databases (gnomAD no frequency). This variant has not been reported in the literature in individuals affected with BRCA1-related conditions. ClinVar contains an entry for this variant (Variation ID: 928767). Invitae Evidence Modeling of protein sequence and biophysical properties (such as structural, functional, and spatial information, amino acid conservation, physicochemical variation, residue mobility, and thermodynamic stability) indicates that this missense variant is not expected to disrupt BRCA1 protein function with a negative predictive value of 95%. In summary, the available evidence is currently insufficient to determine the role of this variant in disease. Therefore, it has been classified as a Variant of Uncertain Significance.

Color Diagnostics, LLC DBA Color Health
Classification: Uncertain significance for Hereditary cancer-predisposing syndrome. Last evaluated: 2023-09-13. Review status: criteria provided, single submitter. Criteria: ACMG Guidelines, 2015. Collection method: clinical testing. Allele origin: germline.
Comment: This missense variant replaces cysteine with arginine at codon 305 of the BRCA1 protein. Computational prediction is inconclusive regarding the impact of this variant on protein structure and function (internally defined REVEL score threshold 0.5 < inconclusive < 0.7, PMID: 27666373). To our knowledge, functional studies have not been reported for this variant. This variant has not been reported in individuals affected with BRCA1-related disorders in the literature. This variant has not been identified in the general population by the Genome Aggregation Database (gnomAD). The available evidence is insufficient to determine the role of this variant in disease conclusively. Therefore, this variant is classified as a Variant of Uncertain Significance.

Ambry Genetics
Classification: Uncertain significance for Hereditary cancer-predisposing syndrome. Last evaluated: 2023-04-28. Review status: criteria provided, single submitter. Criteria: Ambry Variant Classification Scheme 2023. Collection method: clinical testing. Allele origin: germline.
Comment: The p.C305R variant (also known as c.913T>C), located in coding exon 9 of the BRCA1 gene, results from a T to C substitution at nucleotide position 913. The cysteine at codon 305 is replaced by arginine, an amino acid with highly dissimilar properties. This amino acid position is well conserved in available vertebrate species. In addition, this alteration is predicted to be deleterious by in silico analysis. Since supporting evidence is limited at this time, the clinical significance of this alteration remains unclear.

University of Washington Department of Laboratory Medicine, University of Washington
Classification: Likely benign for Hereditary cancer-predisposing syndrome. Last evaluated: 2023-03-23. Review status: criteria provided, single submitter. Criteria: Dines et al. (Genet Med. 2020). Collection method: curation. Allele origin: germline.
Comment: Missense variant in a coldspot region where missense variants are very unlikely to be pathogenic (PMID:31911673).

BRCA1 coldspot (exon 11 using historical exon numbering). Reclassification based on statistical prior probability

Women's Health and Genetics/Laboratory Corporation of America, LabCorp
Classification: Uncertain significance. Last evaluated: 2019-01-21. Review status: criteria provided, single submitter. Criteria: LabCorp Variant Classification Summary - May 2015. Collection method: clinical testing. Allele origin: germline.
Comment: Variant summary: BRCA1 c.913T>C (p.Cys305Arg) results in a non-conservative amino acid change in the encoded protein sequence. Five of five in-silico tools predict a damaging effect of the variant on protein function. The variant was absent in 246060 control chromosomes (gnomAD). The available data on variant occurrences in the general population are insufficient to allow any conclusion about variant significance. To our knowledge, no occurrence of c.913T>C in individuals affected with Hereditary Breast and Ovarian Cancer and no experimental evidence demonstrating its impact on protein function have been reported. No clinical diagnostic laboratories have submitted clinical-significance assessments for this variant to ClinVar after 2014. Based on the evidence outlined above, the variant was classified as uncertain significance.

Literature cited by the submitters: PubMed 25085752 (cited by Myriad Genetics, Inc.); PubMed 31911673 (cited by Quest Diagnostics Nichols Institute San Juan Capistrano).